The following is an entry in ClinVar:

ClinVar aggregate classification (germline): Uncertain significance (1 of 4 stars; one submission).

Conditions:
Familial adenomatous polyposis 2. Also called: MUTYH-associated polyposis; Adenomas, multiple colorectal; COLORECTAL ADENOMATOUS POLYPOSIS, AUTOSOMAL RECESSIVE; ADENOMAS, MULTIPLE COLORECTAL, AUTOSOMAL RECESSIVE; MUTYH-related attenuated familial adenomatous polyposis; MYH-associated polyposis. Identifiers: Orphanet 220460, Orphanet 247798, MedGen C3272841, MONDO:0012041, OMIM 608456.

Submission:

Labcorp Genetics (formerly Invitae), Labcorp
Classification: Uncertain significance for Familial adenomatous polyposis 2. Last evaluated: 2023-12-13. Review status: criteria provided, single submitter. Criteria: Invitae Variant Classification Sherloc (09022015). Collection method: clinical testing. Allele origin: germline.
Comment: This sequence change falls in intron 9 of the MUTYH gene. It does not directly change the encoded amino acid sequence of the MUTYH protein. It affects a nucleotide within the consensus splice site. This variant is present in population databases (no rsID available, gnomAD 0.004%). This variant has been observed in individual(s) with adenomatous polyposis syndrome (PMID: 25368107). This variant is also known as c.746+3A>G. Variants that disrupt the consensus splice site are a relatively common cause of aberrant splicing (PMID: 17576681, 9536098). Algorithms developed to predict the effect of sequence changes on RNA splicing suggest that this variant may disrupt the consensus splice site. In summary, the available evidence is currently insufficient to determine the role of this variant in disease. Therefore, it has been classified as a Variant of Uncertain Significance.

Literature cited by the submitters: PubMed 25368107; PubMed 17576681; PubMed 9536098.

NM_001048174.2(MUTYH):c.704+3A>G

Gene: MUTYH (mutY DNA glycosylase; minus strand). Cytogenetic location: 1p34.1.
Variant type: single nucleotide variant.
Coding change: c.704+3A>G on transcript NM_001048174.2 (MANE Select); 3 bases into the intron after coding-DNA position 704, A replaced by G.
Molecular consequence: intron variant.
Genome position (GRCh38, 1-based): chr1:45,332,388, T>C on the plus strand (A>G on the coding strand, the complement: MUTYH is on the minus strand). VCF-style: chr1-45332388-T-C. GRCh37 (hg19) VCF-style: chr1-45798060-T-C.
Other names: c.704+3A>G (NM_001407072.1, NM_001407073.1, NM_001048171.2 and 6 more transcripts); c.359+3A>G (NM_001350651.2, NM_001350650.2, NM_001407082.1); c.428+3A>G (NM_001293192.2, NM_001293196.2, NM_001407091.1); c.749+3A>G (NM_001293190.2); c.737+3A>G (NM_001407069.1, NM_001407077.1, NM_001293191.2); c.779+3A>G (NM_012222.3); c.788+3A>G (NM_001128425.2); c.707+3A>G (NM_001407071.1, NM_001048172.2, NM_001407078.1 and 1 more transcripts); and 5 more.
Identifiers: ClinVar variation 2733894 (VCV002733894.3), dbSNP rs1246919987, ClinGen allele CA522810455.